The following is an entry in ClinVar:

ClinVar aggregate classification (germline): Conflicting classifications of pathogenicity. Review status: criteria provided, conflicting classifications (1 of 4 stars). 2 submissions from 2 submitters: Uncertain significance (1); Likely benign (1). Last evaluated 2025-07-17.

Conditions:
Hereditary cancer-predisposing syndrome. Also called: Tumor predisposition; Hereditary neoplastic syndrome; Neoplastic Syndromes, Hereditary; Hereditary Cancer Syndrome. Identifiers: Orphanet 140162, MedGen C0027672, MeSH D009386, MONDO:0015356.

gnomAD v4.1: 1 of 1,594,128 alleles (0.000063%); highest among the groups gnomAD compares: Non-Finnish European, 0.000085%; no homozygotes.

Submissions (2):

Labcorp Genetics (formerly Invitae), Labcorp
Classification: Uncertain significance. Last evaluated: 2025-07-17. Review status: criteria provided, single submitter. Criteria: Invitae Variant Classification Sherloc (09022015). Collection method: clinical testing. Allele origin: germline.
Comment: This sequence change replaces threonine, which is neutral and polar, with isoleucine, which is neutral and non-polar, at codon 10 of the NTHL1 protein (p.Thr10Ile). This variant is not present in population databases (gnomAD no frequency). This variant has not been reported in the literature in individuals affected with NTHL1-related conditions. ClinVar contains an entry for this variant (Variation ID: 845293). An algorithm developed to predict the effect of missense changes on protein structure and function (PolyPhen-2) suggests that this variant is likely to be tolerated. In summary, the available evidence is currently insufficient to determine the role of this variant in disease. Therefore, it has been classified as a Variant of Uncertain Significance.

Ambry Genetics
Classification: Likely benign for Hereditary cancer-predisposing syndrome. Last evaluated: 2024-04-03. Review status: criteria provided, single submitter. Criteria: Ambry Variant Classification Scheme 2023. Collection method: clinical testing. Allele origin: germline.

NM_002528.7(NTHL1):c.5C>T (p.Thr2Ile)

Gene: NTHL1 (nth like DNA glycosylase 1; minus strand). Cytogenetic location: 16p13.3.
Variant type: single nucleotide variant.
Coding change: c.5C>T on transcript NM_002528.7 (MANE Select); coding-DNA position 5, C replaced by T.
Protein change: p.Thr2Ile; replaces threonine 2 with isoleucine.
Molecular consequence: missense variant. On other transcripts: 5 prime UTR variant (1).
Genome position (GRCh38, 1-based): chr16:2,047,819, G>A on the plus strand (C>T on the coding strand, the complement: NTHL1 is on the minus strand). VCF-style: chr16-2047819-G-A. GRCh37 (hg19) VCF-style: chr16-2097820-G-A.
Other names: c.29C>T (NM_002528.5); c.5C>T, p.Thr2Ile (NM_001318193.2); c.-174C>T (NM_001318194.2); short protein forms T2I.
Identifiers: ClinVar variation 845293 (VCV000845293.10), dbSNP rs1305523200, ClinGen allele CA394298704.